The following is an entry in ClinVar:

NM_001276345.2(TNNT2):c.53-22C>A

Gene: TNNT2 (troponin T2, cardiac type; minus strand). Cytogenetic location: 1q32.1.
Variant type: single nucleotide variant.
Coding change: c.53-22C>A on transcript NM_001276345.2 (MANE Select); 22 bases into the intron before coding-DNA position 53, C replaced by A.
Molecular consequence: intron variant.
Genome position (GRCh38, 1-based): chr1:201,372,063, G>T on the plus strand (C>A on the coding strand, the complement: TNNT2 is on the minus strand). VCF-style: chr1-201372063-G-T. GRCh37 (hg19) VCF-style: chr1-201341191-G-T.
Other names: c.52+82C>A (NM_001001432.3); c.53-22C>A (NM_001001431.3, NM_001001430.3, NM_001276346.2 and 2 more transcripts).
Identifiers: ClinVar variation 3387990 (VCV003387990.15), dbSNP rs141800807.

ClinVar aggregate classification (germline): Benign/Likely benign. Review status: criteria provided, multiple submitters, no conflicts (2 of 4 stars). 2 submissions from 2 submitters: Benign (1); Likely benign (1). Last evaluated 2025-04-09.

gnomAD v4.1: 521 of 1,613,898 alleles (0.032%); highest among the groups gnomAD compares: South Asian, 0.23%; 2 homozygotes.

Submissions (2):

Molecular Diagnostic Laboratory for Inherited Cardiovascular Disease, Montreal Heart Institute
Classification: Benign. Last evaluated: 2025-04-09. Review status: criteria provided, single submitter. Criteria: ACMG Guidelines, 2015. Collection method: clinical testing. Allele origin: germline. Affected: no.

CeGaT Center for Human Genetics Tuebingen
Classification: Likely benign. Last evaluated: 2024-11-01. Review status: criteria provided, single submitter. Criteria: CeGaT Center For Human Genetics Tuebingen Variant Classification Criteria Version 2. Collection method: clinical testing. Allele origin: germline. Affected: yes. Observed: 1 variant allele.
Comment: TNNT2: BS1